The following is an entry in ClinVar:

ClinVar aggregate classification (germline): Uncertain significance (1 of 4 stars; one submission).

Submission:

GeneDx
Classification: Uncertain significance. Last evaluated: 2019-05-23. Review status: criteria provided, single submitter. Criteria: GeneDx Variant Classification Process June 2021. Collection method: clinical testing. Allele origin: germline. Affected: yes.
Comment: Not observed in large population cohorts (Lek et al., 2016); In silico analysis, which includes protein predictors and evolutionary conservation, supports a deleterious effect; Has not been previously published as pathogenic or benign to our knowledge

NM_001001557.4(GDF6):c.812C>T (p.Pro271Leu)

Gene: GDF6 (growth differentiation factor 6; minus strand). Cytogenetic location: 8q22.1.
Variant type: single nucleotide variant.
Coding change: c.812C>T on transcript NM_001001557.4 (MANE Select); coding-DNA position 812, C replaced by T.
Protein change: p.Pro271Leu; replaces proline 271 with leucine.
Molecular consequence: missense variant.
Genome position (GRCh38, 1-based): chr8:96,145,119, G>A on the plus strand (C>T on the coding strand, the complement: GDF6 is on the minus strand). VCF-style: chr8-96145119-G-A. GRCh37 (hg19) VCF-style: chr8-97157347-G-A.
Other names: short protein forms P271L.
Identifiers: ClinVar variation 1306106 (VCV001306106.2), dbSNP rs2130206778, ClinGen allele CA371751779.